The following is an entry in ClinVar:

NM_203288.2(RP9):c.107G>A (p.Arg36Gln)

Genes: RP9 (RP9 pre-mRNA splicing factor; minus strand), LOC129998224 (ATAC-STARR-seq lymphoblastoid silent region 18089; plus strand). Cytogenetic location: 7p14.3.
Variant type: single nucleotide variant.
Coding change: c.107G>A on transcript NM_203288.2 (MANE Select); coding-DNA position 107, G replaced by A.
Protein change: p.Arg36Gln; replaces arginine 36 with glutamine.
Molecular consequence: missense variant.
Genome position (GRCh38, 1-based): chr7:33,109,266, C>T on the plus strand (G>A on the coding strand, the complement: RP9 is on the minus strand). VCF-style: chr7-33109266-C-T. GRCh37 (hg19) VCF-style: chr7-33148878-C-T.
Other names: c.107G>A (NM_203288.1); short protein forms R36Q.
Identifiers: ClinVar variation 1958361 (VCV001958361.6), dbSNP rs1788547028, ClinGen allele CA367185270.
Genomic context (GRCh38, chr7:33,109,266, plus strand): 5'-CAGCTCGGGACTCACAAGGACTCCAGGTGCTTGAGCTGCTGCAGCTGCTGCGCGTCGTGT[C>T]GCCGCCGCTTCTGCTCCCGACGTCGCTGCAGCTCCTGCTCCGGCGGCTCACGCGGCCGCC-3'
Protein context (NP_976033.1, residues 26-46): LQRRREQKRR[Arg36Gln]HDAQQLQQLK

ClinVar aggregate classification (germline): Uncertain significance. Review status: criteria provided, multiple submitters, no conflicts (2 of 4 stars). 2 submissions from 2 submitters: Uncertain significance (2). Last evaluated 2025-03-18.

Allele frequency attached by ClinVar (database versions not stated): gnomAD 0.00001; TOPMed 0.00001.
gnomAD v4.1: 3 of 1,493,572 alleles (0.0002%); highest among the groups gnomAD compares: Admixed American, 0.0043%; no homozygotes.

Submissions (2):

Ambry Genetics
Classification: Uncertain significance. Last evaluated: 2025-03-18. Review status: criteria provided, single submitter. Criteria: Ambry Variant Classification Scheme 2023. Collection method: clinical testing. Allele origin: germline.

Labcorp Genetics (formerly Invitae), Labcorp
Classification: Uncertain significance. Last evaluated: 2024-09-23. Review status: criteria provided, single submitter. Criteria: Invitae Variant Classification Sherloc (09022015). Collection method: clinical testing. Allele origin: germline.
Comment: This sequence change replaces arginine, which is basic and polar, with glutamine, which is neutral and polar, at codon 36 of the RP9 protein (p.Arg36Gln). This variant is not present in population databases (gnomAD no frequency). This variant has not been reported in the literature in individuals affected with RP9-related conditions. ClinVar contains an entry for this variant (Variation ID: 1958361). An algorithm developed to predict the effect of missense changes on protein structure and function (PolyPhen-2) suggests that this variant is likely to be disruptive. In summary, the available evidence is currently insufficient to determine the role of this variant in disease. Therefore, it has been classified as a Variant of Uncertain Significance.